The following is an entry in ClinVar:

ClinVar aggregate classification (germline): Likely benign (1 of 4 stars; one submission).

Submission:

CeGaT Center for Human Genetics Tuebingen
Classification: Likely benign. Last evaluated: 2026-03-01. Review status: criteria provided, single submitter. Criteria: CeGaT Center For Human Genetics Tuebingen Variant Classification Criteria Version 2. Collection method: clinical testing. Allele origin: germline. Affected: yes. Observed: 1 variant allele.
Comment: DIP2B: BS2

NM_173602.3(DIP2B):c.-137CGG[10]

Genes: DIP2B (DIP2 acetate--CoA ligase B (putative); plus strand), FRA12A (fragile site, folic acid type, rare, fra(12)(q13.1); plus strand). Cytogenetic location: 12q13.12.
Variant type: Microsatellite.
Coding change: c.-137CGG[10] on transcript NM_173602.3 (MANE Select); ten copies in a row of the 3-base unit CGG starting at c.-137; the reference has seven copies in a row; three copies, 9 bases duplicated.
Molecular consequence: 5 prime UTR variant.
Genome position (GRCh38, 1-based): chr12:50,505,016-50,505,024, CGGCGGCGG duplicated; duplicating any 9 consecutive bases within chr12:50,505,002-50,505,024 gives the same sequence; the position shown is the placement nearest the transcript's 3' end. VCF-style (leftmost placement, unchanged base first): chr12-50505001-T-TGGCGGCGGC. GRCh37 (hg19) VCF-style: chr12-50898784-T-TGGCGGCGGC.
Identifiers: ClinVar variation 4820660 (VCV004820660.4).